The following is an entry in ClinVar:

NM_152564.5(VPS13B):c.2321_2322del (p.Leu774fs)

Gene: VPS13B (vacuolar protein sorting 13 homolog B; plus strand). Cytogenetic location: 8q22.2.
Variant type: Deletion.
Coding change: c.2321_2322del on transcript NM_152564.5 (MANE Select); coding-DNA positions 2321 to 2322, 2 bases deleted (TC; older notation c.2321_2322delTC).
Protein change: p.Leu774fs; shifts the reading frame from leucine 774.
Molecular consequence: frameshift variant.
Genome position (GRCh38, 1-based): chr8:99,170,151-99,170,152, TC deleted; deleting any 2 consecutive bases within chr8:99,170,150-99,170,152 gives the same sequence; the c. name uses the placement nearest the transcript's 3' end. VCF-style (leftmost placement, unchanged base first): chr8-99170149-ACT-A. GRCh37 (hg19) VCF-style: chr8-100182377-ACT-A.
Other names: c.2321_2322del, p.Leu774fs (NM_015243.3, NM_017890.5); short protein forms L774fs.
Identifiers: ClinVar variation 1377048 (VCV001377048.6), dbSNP rs2132663525, ClinGen allele CA2573143560.

ClinVar aggregate classification (germline): Pathogenic (1 of 4 stars; one submission).

Conditions:
Cohen syndrome (COH1). Also called: Cutis verticis gyrata, retinitis pigmentosa, and sensorineural deafness; PEPPER SYNDROME. Identifiers: Orphanet 193, MedGen C0265223, MONDO:0008999, OMIM 216550.

Submission:

Labcorp Genetics (formerly Invitae), Labcorp
Classification: Pathogenic for Cohen syndrome. Last evaluated: 2020-11-21. Review status: criteria provided, single submitter. Criteria: Invitae Variant Classification Sherloc (09022015). Collection method: clinical testing. Allele origin: germline.
Comment: For these reasons, this variant has been classified as Pathogenic. This variant has not been reported in the literature in individuals with VPS13B-related conditions. This variant is not present in population databases (ExAC no frequency). This sequence change creates a premature translational stop signal (p.Leu774Profs*14) in the VPS13B gene. It is expected to result in an absent or disrupted protein product. Loss-of-function variants in VPS13B are known to be pathogenic (PMID: 15141358, 16648375, 20461111).

Literature cited by the submitters: PubMed 15141358; PubMed 16648375; PubMed 20461111.